The following is an entry in ClinVar:

ClinVar aggregate classification (germline): Conflicting classifications of pathogenicity. Review status: criteria provided, conflicting classifications (1 of 4 stars). 5 submissions from 3 submitters: Uncertain significance (4); Likely benign (1). Last evaluated 2026-01-05.

Conditions:
Age related macular degeneration 9. Identifiers: MedGen C1969651, MONDO:0012659, OMIM 611378.
Atypical hemolytic-uremic syndrome with C3 anomaly. Also called: AHUS, SUSCEPTIBILITY TO, 5. Identifiers: Orphanet 2134, MedGen C2752037, MONDO:0013043, OMIM 612925.
Complement component 3 deficiency. Identifiers: Orphanet 280133, MedGen C3151071, MONDO:0013417, OMIM 613779.

Allele frequency attached by ClinVar (database versions not stated): TOPMed 0.00004; gnomAD 0.00005 and 0.00006; ESP Exome Variant Server 0.00008; gnomAD exomes 0.00010; ExAC 0.00013.
gnomAD v4.1: 111 of 1,612,680 alleles (0.0069%); highest among the groups gnomAD compares: Middle Eastern, 0.033%; no homozygotes.

Submissions (5):

Labcorp Genetics (formerly Invitae), Labcorp
Classification: Uncertain significance. Last evaluated: 2026-01-05. Review status: criteria provided, single submitter. Criteria: Invitae Variant Classification Sherloc (09022015). Collection method: clinical testing. Allele origin: germline.
Comment: This sequence change replaces arginine, which is basic and polar, with tryptophan, which is neutral and slightly polar, at codon 1491 of the C3 protein (p.Arg1491Trp). This variant is present in population databases (rs140928439, gnomAD 0.04%). This variant has not been reported in the literature in individuals affected with C3-related conditions. ClinVar contains an entry for this variant (Variation ID: 893747). Invitae Evidence Modeling of protein sequence and biophysical properties (such as structural, functional, and spatial information, amino acid conservation, physicochemical variation, residue mobility, and thermodynamic stability) indicates that this missense variant is expected to disrupt C3 protein function with a positive predictive value of 80%. In summary, the available evidence is currently insufficient to determine the role of this variant in disease. Therefore, it has been classified as a Variant of Uncertain Significance.

Blueprint Genetics
Classification: Uncertain significance. Last evaluated: 2024-11-06. Review status: criteria provided, single submitter. Criteria: ACMG Guidelines, 2015. Collection method: clinical testing. Allele origin: germline.

Illumina Laboratory Services, Illumina
Classification: Uncertain significance for Age related macular degeneration 9. Last evaluated: 2018-01-13. Review status: criteria provided, single submitter. Criteria: ICSL Variant Classification Criteria 13 December 2019. Collection method: clinical testing. Allele origin: germline.

Illumina Laboratory Services, Illumina
Classification: Uncertain significance for Complement component 3 deficiency. Last evaluated: 2018-01-13. Review status: criteria provided, single submitter. Criteria: ICSL Variant Classification Criteria 13 December 2019. Collection method: clinical testing. Allele origin: germline.

Illumina Laboratory Services, Illumina
Classification: Likely benign for Atypical hemolytic-uremic syndrome with C3 anomaly. Last evaluated: 2018-01-13. Review status: criteria provided, single submitter. Criteria: ICSL Variant Classification Criteria 13 December 2019. Collection method: clinical testing. Allele origin: germline.
Comment: This variant was observed in the ICSL laboratory as part of a predisposition screen in an ostensibly healthy population. It had not been previously curated by ICSL or reported in the Human Gene Mutation Database (HGMD: prior to June 1st, 2018), and was therefore a candidate for classification through an automated scoring system. Utilizing variant allele frequency, disease prevalence and penetrance estimates, and inheritance mode, an automated score was calculated to assess if this variant is too frequent to cause the disease. Based on the score and internal cut-off values, a variant classified as likely benign is not then subjected to further curation. The score for this variant resulted in a classification of likely benign for this disease.

NM_000064.4(C3):c.4471C>T (p.Arg1491Trp)

Gene: C3 (complement C3; minus strand). Cytogenetic location: 19p13.3.
Variant type: single nucleotide variant.
Coding change: c.4471C>T on transcript NM_000064.4 (MANE Select); coding-DNA position 4471, C replaced by T.
Protein change: p.Arg1491Trp; replaces arginine 1491 with tryptophan.
Molecular consequence: missense variant.
Genome position (GRCh38, 1-based): chr19:6,679,482, G>A on the plus strand (C>T on the coding strand, the complement: C3 is on the minus strand). VCF-style: chr19-6679482-G-A. GRCh37 (hg19) VCF-style: chr19-6679493-G-A.
Other names: short protein forms R1491W.
Identifiers: ClinVar variation 893747 (VCV000893747.12), dbSNP rs140928439, ClinGen allele CA9128377.